The following is an entry in ClinVar:

NM_001009944.3(PKD1):c.5080C>T (p.His1694Tyr)

Gene: PKD1 (polycystin 1, transient receptor potential channel interacting; minus strand). Cytogenetic location: 16p13.3.
Variant type: single nucleotide variant.
Coding change: c.5080C>T on transcript NM_001009944.3 (MANE Select); coding-DNA position 5080, C replaced by T.
Protein change: p.His1694Tyr; replaces histidine 1694 with tyrosine.
Molecular consequence: missense variant.
Genome position (GRCh38, 1-based): chr16:2,110,087, G>A on the plus strand (C>T on the coding strand, the complement: PKD1 is on the minus strand). VCF-style: chr16-2110087-G-A. GRCh37 (hg19) VCF-style: chr16-2160088-G-A.
Other names: c.5080C>T, p.His1694Tyr (NM_000296.4); c.5080C>T (NM_001009944.2); short protein forms H1694Y.
Identifiers: ClinVar variation 586279 (VCV000586279.5), dbSNP rs374424212, ClinGen allele CA7832130.

ClinVar aggregate classification (germline): Conflicting classifications of pathogenicity. Review status: criteria provided, conflicting classifications (1 of 4 stars). 4 submissions from 4 submitters: Uncertain significance (3); Likely benign (1). Last evaluated 2026-04-23.

Conditions:
Polycystic kidney disease, adult type (PKD1). Also called: Polycystic Kidney, Autosomal Dominant; Polycystic Kidney Disease 1, Autosomal Dominant; Polycystic kidney disease 1; Polycystic kidney disease 1, severe; POLYCYSTIC KIDNEY DISEASE, ADULT, TYPE I; POLYCYSTIC KIDNEY DISEASE 1 WITH OR WITHOUT POLYCYSTIC LIVER DISEASE. Identifiers: MedGen C3149841, MONDO:0008263, OMIM 173900.
PKD1-related disorder. Also called: PKD1-related condition.

Allele frequency attached by ClinVar (database versions not stated): ESP Exome Variant Server 0.00015; gnomAD 0.00001 and 0.00006; TOPMed 0.00003; ExAC 0.00005; gnomAD exomes 0.00005 and 0.00006.
gnomAD v4.1: 77 of 1,609,904 alleles (0.0048%); highest among the groups gnomAD compares: Middle Eastern, 0.11%; no homozygotes.

Submissions (4):

PreventionGenetics, part of Exact Sciences
Classification: Uncertain significance for PKD1-related condition. Last evaluated: 2026-04-23. Review status: criteria provided, single submitter. Criteria: ACMG Guidelines, 2015. Collection method: clinical testing. Allele origin: germline.
Comment: The PKD1 c.5080C>T variant is predicted to result in the amino acid substitution p.His1694Tyr. To our knowledge, this variant has not been reported in the literature. This variant is reported in 0.011% of alleles in individuals of European (Non-Finnish) descent in gnomAD. Although we suspect that this variant may be benign, at this time, the clinical significance of this variant is uncertain due to the absence of conclusive functional and genetic evidence.

Blueprint Genetics
Classification: Likely benign. Last evaluated: 2024-09-20. Review status: criteria provided, single submitter. Criteria: ACMG Guidelines, 2015. Collection method: clinical testing. Allele origin: germline.

Fulgent Genetics
Classification: Uncertain significance for Polycystic kidney disease, adult type. Last evaluated: 2022-03-08. Review status: criteria provided, single submitter. Criteria: ACMG Guidelines, 2015. Collection method: clinical testing. Allele origin: unknown.

Athena Diagnostics
Classification: Uncertain significance. Last evaluated: 2020-08-06. Review status: criteria provided, single submitter. Criteria: Athena Diagnostics Criteria. Collection method: clinical testing. Allele origin: unknown.